The following is an entry in ClinVar:

ClinVar aggregate classification (germline): Likely pathogenic (1 of 4 stars; one submission).

Conditions:
Adenine phosphoribosyltransferase deficiency (APRTD). Also called: APRT DEFICIENCY; NEPHROLITHIASIS, DHA; Urolithiasis, dha; 2,8-dihydroxyadenine urolithiasis. Identifiers: Orphanet 976, MedGen C0268120, MONDO:0013869, OMIM 614723.

Submission:

Rare Kidney Stone Consortium and the Mayo Clinic Hyperoxaluria Center, Mayo Clinic
Classification: Likely pathogenic for Adenine phosphoribosyltransferase deficiency. Last evaluated: 2025-10-03. Review status: criteria provided, single submitter. Criteria: ACMG Guidelines, 2015. Collection method: research. Allele origin: germline. Affected: yes. Observed: 1 variant allele.
Comment: ACMG:PM2, PM3, PP3, PP4

Literature cited by the submitters: PubMed 40794449.

NM_000485.3(APRT):c.401-20C>G

Gene: APRT (adenine phosphoribosyltransferase; minus strand). Cytogenetic location: 16q24.3.
Variant type: single nucleotide variant.
Coding change: c.401-20C>G on transcript NM_000485.3 (MANE Select); 20 bases into the intron before coding-DNA position 401, C replaced by G.
Molecular consequence: intron variant.
Genome position (GRCh38, 1-based): chr16:88,809,860, G>C on the plus strand (C>G on the coding strand, the complement: APRT is on the minus strand). VCF-style: chr16-88809860-G-C. GRCh37 (hg19) VCF-style: chr16-88876268-G-C.
Other names: c.401-154C>G (NM_001030018.2).
Identifiers: ClinVar variation 4526837 (VCV004526837.1).